The following is an entry in ClinVar:

ClinVar aggregate classification (germline): Uncertain significance (1 of 4 stars; one submission).

Conditions:
Emery-Dreifuss muscular dystrophy 4, autosomal dominant (EDMD4). Also called: EMERY-DREIFUSS MUSCULAR DYSTROPHY 4 WITH VARIABLE FEATURES. Identifiers: Orphanet 261, MedGen C2751807, MONDO:0013071, OMIM 612998.
Autosomal recessive ataxia, Beauce type. Also called: Spinocerebellar ataxia, autosomal recessive 8; ATAXIA, RECESSIVE, OF BEAUCE; SYNE1 Deficiency; SYNE1-Related Autosomal Recessive Cerebellar Ataxia. Identifiers: Orphanet 88644, MedGen C1853116, MONDO:0012549, OMIM 610743.

Submission:

Labcorp Genetics (formerly Invitae), Labcorp
Classification: Uncertain significance for Emery-Dreifuss muscular dystrophy 4, autosomal dominant; Autosomal recessive ataxia, Beauce type. Last evaluated: 2025-04-11. Review status: criteria provided, single submitter. Criteria: Invitae Variant Classification Sherloc (09022015). Collection method: clinical testing. Allele origin: germline.
Comment: This sequence change replaces glutamine, which is neutral and polar, with histidine, which is basic and polar, at codon 6905 of the SYNE1 protein (p.Gln6905His). This variant is not present in population databases (gnomAD no frequency). This variant has not been reported in the literature in individuals affected with SYNE1-related conditions. ClinVar contains an entry for this variant (Variation ID: 1439392). An algorithm developed to predict the effect of missense changes on protein structure and function (PolyPhen-2) suggests that this variant is likely to be disruptive. In summary, the available evidence is currently insufficient to determine the role of this variant in disease. Therefore, it has been classified as a Variant of Uncertain Significance.

NM_182961.4(SYNE1):c.20928A>C (p.Gln6976His)

Gene: SYNE1 (spectrin repeat containing nuclear envelope protein 1; minus strand). Cytogenetic location: 6q25.2.
Variant type: single nucleotide variant.
Coding change: c.20928A>C on transcript NM_182961.4 (MANE Select); coding-DNA position 20928, A replaced by C.
Protein change: p.Gln6976His; replaces glutamine 6976 with histidine.
Molecular consequence: missense variant.
Genome position (GRCh38, 1-based): chr6:152,231,502, T>G on the plus strand (A>C on the coding strand, the complement: SYNE1 is on the minus strand). VCF-style: chr6-152231502-T-G. GRCh37 (hg19) VCF-style: chr6-152552637-T-G.
Other names: c.20715A>C, p.Gln6905His (NM_033071.5); short protein forms Q6905H, Q6976H.
Identifiers: ClinVar variation 1439392 (VCV001439392.6), dbSNP rs763904392, ClinGen allele CA366114951.
Genomic context (GRCh38, chr6:152,231,502, plus strand): 5'-AAGTTGCTCAGCAAAATCAGTCTTATCACTACGCTTACTTTCCACATCCTGACTGCTGAT[T>G]TGTAGCACGGACTGGTTCACAAAATCCACTGTCAGCTGTTTACAGTTAATGTCTATCTTA-3'
Protein context (NP_892006.3, residues 6966-6986): TVDFVNQSVL[Gln6976His]ISSQDVESKR